The following is an entry in ClinVar:

NM_001199107.2(TBC1D24):c.*1160G>A

Gene: TBC1D24 (TBC1 domain family member 24; plus strand). Cytogenetic location: 16p13.3.
Variant type: single nucleotide variant.
Coding change: c.*1160G>A on transcript NM_001199107.2 (MANE Select); 1160 bases downstream of the stop codon, G replaced by A.
Molecular consequence: 3 prime UTR variant.
Genome position (GRCh38, 1-based): chr16:2,502,118, G>A. VCF-style: chr16-2502118-G-A. GRCh37 (hg19) VCF-style: chr16-2552119-G-A.
Other names: c.*1160G>A (NM_020705.3).
Identifiers: ClinVar variation 318640 (VCV000318640.5), dbSNP rs7201970, ClinGen allele CA10637445.
Genomic context (GRCh38, chr16:2,502,118, plus strand): 5'-GCCACCTTGCATGGATGCATGTCCTCCCTCTGTCCCTCTTGTGGTGCTGTGGCTGGCCAC[G>A]TGTCAGGGTTTTCTGTGAGCCTCTCACCTTACAGCCTTTGGGCCCCTGGGCCCCTGCCCT-3'

ClinVar aggregate classification (germline): Benign (1 of 4 stars; one submission).

Conditions:
Familial infantile myoclonic epilepsy (FIME). Also called: TBC1D24-Related Familial Infantile Myoclonic Epilepsy (FIME); Epilepsy, Myoclonic, Infantile. Identifiers: Orphanet 352582, MedGen C0917800, MONDO:0011506, OMIM 605021.

Allele frequency attached by ClinVar (database versions not stated): gnomAD 0.02553 and 0.02713; TOPMed 0.02868; 1000 Genomes Project 0.02776; 1000 Genomes Project 30x 0.02795; gnomAD exomes 0.00360.

Submission:

Illumina Laboratory Services, Illumina
Classification: Benign for Familial infantile myoclonic epilepsy. Last evaluated: 2018-01-13. Review status: criteria provided, single submitter. Criteria: ICSL Variant Classification Criteria 13 December 2019. Collection method: clinical testing. Allele origin: germline.
Comment: This variant was observed in the ICSL laboratory as part of a predisposition screen in an ostensibly healthy population. It had not been previously curated by ICSL or reported in the Human Gene Mutation Database (HGMD: prior to June 1st, 2018), and was therefore a candidate for classification through an automated scoring system. Utilizing variant allele frequency, disease prevalence and penetrance estimates, and inheritance mode, an automated score was calculated to assess if this variant is too frequent to cause the disease. Based on the score and internal cut-off values, a variant classified as benign is not then subjected to further curation. The score for this variant resulted in a classification of benign for this disease.